The following is an entry in ClinVar:

ClinVar aggregate classification (germline): Uncertain significance (1 of 4 stars; one submission).

Allele frequency attached by ClinVar (database versions not stated): gnomAD exomes below 0.00001 and 0.00001.
gnomAD v4.1: 22 of 1,613,964 alleles (0.0014%); highest among the groups gnomAD compares: African/African-American, 0.011%; no homozygotes.

Submission:

Labcorp Genetics (formerly Invitae), Labcorp
Classification: Uncertain significance. Last evaluated: 2023-10-03. Review status: criteria provided, single submitter. Criteria: Invitae Variant Classification Sherloc (09022015). Collection method: clinical testing. Allele origin: germline.
Comment: This sequence change replaces lysine, which is basic and polar, with asparagine, which is neutral and polar, at codon 209 of the NDUFV2 protein (p.Lys209Asn). This variant is present in population databases (rs568512775, gnomAD 0.007%). This variant has not been reported in the literature in individuals affected with NDUFV2-related conditions. ClinVar contains an entry for this variant (Variation ID: 1474504). Advanced modeling of protein sequence and biophysical properties (such as structural, functional, and spatial information, amino acid conservation, physicochemical variation, residue mobility, and thermodynamic stability) performed at Invitae indicates that this missense variant is expected to disrupt NDUFV2 protein function. In summary, the available evidence is currently insufficient to determine the role of this variant in disease. Therefore, it has been classified as a Variant of Uncertain Significance.

NM_021074.5(NDUFV2):c.627G>T (p.Lys209Asn)

Genes: NDUFV2 (NADH:ubiquinone oxidoreductase core subunit V2; plus strand), NDUFV2-AS1 (NDUFV2 antisense RNA 1; minus strand). Cytogenetic location: 18p11.22.
Variant type: single nucleotide variant.
Coding change: c.627G>T on transcript NM_021074.5 (MANE Select); coding-DNA position 627, G replaced by T.
Protein change: p.Lys209Asn; replaces lysine 209 with asparagine.
Molecular consequence: missense variant.
Genome position (GRCh38, 1-based): chr18:9,126,878, G>T. VCF-style: chr18-9126878-G-T. GRCh37 (hg19) VCF-style: chr18-9126876-G-T.
Other names: short protein forms K209N.
Identifiers: ClinVar variation 1474504 (VCV001474504.4), dbSNP rs568512775, ClinGen allele CA295876562.
Genomic context (GRCh38, chr18:9,126,878, plus strand): 5'-ATTTTTTTTCCAGGAGGATTTGACAGCTAAGGATATTGAAGAAATTATTGATGAGCTCAA[G>T]GCTGGCAAAATCCCAAAACCAGGGCCAAGGTATGCTTTATTTATATATAGGAAGTTTTAG-3'
Protein context (NP_066552.2, residues 199-219): KDIEEIIDEL[Lys209Asn]AGKIPKPGPR